The following is an entry in ClinVar:

ClinVar aggregate classification (germline): Conflicting classifications of pathogenicity. Review status: criteria provided, conflicting classifications (1 of 4 stars). 6 submissions from 6 submitters: Uncertain significance (2); Benign (1); Likely benign (3). Last evaluated 2026-06-01.

Conditions:
ST3GAL5-related disorder. Also called: ST3GAL5-related condition.
GM3 synthase deficiency (SPDRS). Also called: AMISH INFANTILE EPILEPSY SYNDROME; SALT AND PEPPER DEVELOPMENTAL REGRESSION SYNDROME; SALT AND PEPPER MENTAL RETARDATION SYNDROME. Identifiers: Orphanet 171714, Orphanet 370933, MedGen C1836824, MONDO:0018274, OMIM 609056.

Allele frequency attached by ClinVar (database versions not stated): gnomAD exomes 0.00016 and 0.00046; gnomAD 0.00022 and 0.00028; TOPMed 0.00027; ExAC 0.00049; 1000 Genomes Project 0.00160; 1000 Genomes Project 30x 0.00203.
gnomAD v4.1: 305 of 1,614,200 alleles (0.019%); highest among the groups gnomAD compares: East Asian, 0.58%; no homozygotes.

Submissions (6):

CeGaT Center for Human Genetics Tuebingen
Classification: Likely benign. Last evaluated: 2026-06-01. Review status: criteria provided, single submitter. Criteria: CeGaT Center For Human Genetics Tuebingen Variant Classification Criteria Version 2. Collection method: clinical testing. Allele origin: germline. Affected: yes. Observed: 1 variant allele.
Comment: ST3GAL5: BP4, BP7

Labcorp Genetics (formerly Invitae), Labcorp
Classification: Benign for GM3 synthase deficiency. Last evaluated: 2026-01-15. Review status: criteria provided, single submitter. Criteria: Invitae Variant Classification Sherloc (09022015). Collection method: clinical testing. Allele origin: germline.

PreventionGenetics, part of Exact Sciences
Classification: Likely benign for ST3GAL5-related condition. Last evaluated: 2025-11-20. Review status: criteria provided, single submitter. Criteria: ACMG Guidelines, 2015. Collection method: clinical testing. Allele origin: germline.
Comment: This variant is classified as likely benign based on ACMG/AMP sequence variant interpretation guidelines (Richards et al. 2015 PMID: 25741868, with internal and published modifications).

Blueprint Genetics
Classification: Likely benign. Last evaluated: 2024-10-24. Review status: criteria provided, single submitter. Criteria: ACMG Guidelines, 2015. Collection method: clinical testing. Allele origin: germline.

Illumina Laboratory Services, Illumina
Classification: Uncertain significance for GM3 synthase deficiency. Last evaluated: 2018-01-15. Review status: criteria provided, single submitter. Criteria: ICSL Variant Classification Criteria 13 December 2019. Collection method: clinical testing. Allele origin: germline.

Eurofins Ntd Llc (ga)
Classification: Uncertain significance. Last evaluated: 2015-08-19. Review status: criteria provided, single submitter. Criteria: EGL Classification Definitions 2015. Collection method: clinical testing. Allele origin: germline. Observed: 2 variant alleles, 2 heterozygotes.

NM_003896.4(ST3GAL5):c.465G>A (p.Glu155=)

Gene: ST3GAL5 (ST3 beta-galactoside alpha-2,3-sialyltransferase 5; minus strand). Cytogenetic location: 2p11.2.
Variant type: single nucleotide variant.
Coding change: c.465G>A on transcript NM_003896.4 (MANE Select); coding-DNA position 465, G replaced by A.
Protein change: p.Glu155=; no amino-acid change (glutamic acid 155 retained).
Molecular consequence: synonymous variant. On other transcripts: 5 prime UTR variant (1).
Genome position (GRCh38, 1-based): chr2:85,848,058, C>T on the plus strand (G>A on the coding strand, the complement: ST3GAL5 is on the minus strand). VCF-style: chr2-85848058-C-T. GRCh37 (hg19) VCF-style: chr2-86075181-C-T.
Other names: c.396G>A, p.Glu132= (NM_001042437.2); c.81G>A, p.Glu27= (NM_001354223.2, NM_001354224.2, NM_001354226.2 and 3 more transcripts); c.381G>A, p.Glu127= (NM_001354227.2, NM_001354229.2, NM_001354238.1); c.-440G>A (NM_001354247.1); c.465G>A, p.Glu155= (NM_001363847.1).
Identifiers: ClinVar variation 282731 (VCV000282731.25), dbSNP rs199590656, ClinGen allele CA1745033.
Genomic context (GRCh38, chr2:85,848,058, plus strand): 5'-CAAGAGGGTCTGGACTTTACTGGAGAACTTCCGGAACCCAAAAGGAGGATCGTACTTGGA[C>T]TCAGCTTCACTGTCTTTGGGGGCCTTCTGCACAAAAGGGAGTAAGTCCACGCTATACCTG-3'
Protein context (NP_003887.3, residues 145-165): VQKAPKDSEA[Glu155=]SKYDPPFGFR